The following is an entry in ClinVar:

NM_001376.5(DYNC1H1):c.1360C>T (p.Pro454Ser)

Gene: DYNC1H1 (dynein cytoplasmic 1 heavy chain 1; plus strand). Cytogenetic location: 14q32.31.
Variant type: single nucleotide variant.
Coding change: c.1360C>T on transcript NM_001376.5 (MANE Select); coding-DNA position 1360, C replaced by T.
Protein change: p.Pro454Ser; replaces proline 454 with serine.
Molecular consequence: missense variant.
Genome position (GRCh38, 1-based): chr14:101,983,508, C>T. VCF-style: chr14-101983508-C-T. GRCh37 (hg19) VCF-style: chr14-102449845-C-T.
Other names: short protein forms P454S.
Identifiers: ClinVar variation 1302969 (VCV001302969.9), dbSNP rs1362114769, ClinGen allele CA391015537.

ClinVar aggregate classification (germline): Uncertain significance. Review status: criteria provided, multiple submitters, no conflicts (2 of 4 stars). 4 submissions from 4 submitters: Uncertain significance (4). Last evaluated 2026-05-26.

Conditions:
Inborn genetic diseases. Identifiers: MedGen C0950123, MeSH D030342.
Charcot-Marie-Tooth disease axonal type 2O. Also called: CHARCOT-MARIE-TOOTH NEUROPATHY, AXONAL, TYPE 2O; CHARCOT-MARIE-TOOTH DISEASE, AXONAL, AUTOSOMAL DOMINANT, TYPE 2O; Charcot-Marie-Tooth Neuropathy Type 2O; Charcot-Marie-Tooth disease, axonal, type 20. Identifiers: Orphanet 284232, MedGen C3280220, MONDO:0013644, OMIM 614228.
DYNC1H1-related disorder. Also called: DYNC1H1-related disorders; DYNC1H1-related condition. Identifiers: MedGen CN381529.

Allele frequency attached by ClinVar (database versions not stated): gnomAD exomes below 0.00001; TOPMed below 0.00001; gnomAD 0.00001.
gnomAD v4.1: 3 of 1,613,962 alleles (0.00019%); highest among the groups gnomAD compares: Non-Finnish European, 0.00025%; no homozygotes.

Submissions (4):

PreventionGenetics, part of Exact Sciences
Classification: Uncertain significance for DYNC1H1-related condition. Last evaluated: 2026-05-26. Review status: criteria provided, single submitter. Criteria: ACMG Guidelines, 2015. Collection method: clinical testing. Allele origin: germline.
Comment: The DYNC1H1 c.1360C>T variant is predicted to result in the amino acid substitution p.Pro454Ser. To our knowledge, this variant has not been reported in the literature or in a large population database (gnomAD), indicating this variant is rare. At this time, the clinical significance of this variant is uncertain due to the absence of conclusive functional and genetic evidence.

Labcorp Genetics (formerly Invitae), Labcorp
Classification: Uncertain significance for Charcot-Marie-Tooth disease axonal type 2O. Last evaluated: 2025-11-15. Review status: criteria provided, single submitter. Criteria: Invitae Variant Classification Sherloc (09022015). Collection method: clinical testing. Allele origin: germline.
Comment: This sequence change replaces proline, which is neutral and non-polar, with serine, which is neutral and polar, at codon 454 of the DYNC1H1 protein (p.Pro454Ser). This variant is not present in population databases (gnomAD no frequency). This variant has not been reported in the literature in individuals affected with DYNC1H1-related conditions. ClinVar contains an entry for this variant (Variation ID: 1302969). Invitae Evidence Modeling of protein sequence and biophysical properties (such as structural, functional, and spatial information, amino acid conservation, physicochemical variation, residue mobility, and thermodynamic stability) has been performed for this missense variant. However, the output from this modeling did not meet the statistical confidence thresholds required to predict the impact of this variant on DYNC1H1 protein function. In summary, the available evidence is currently insufficient to determine the role of this variant in disease. Therefore, it has been classified as a Variant of Uncertain Significance.

Ambry Genetics
Classification: Uncertain significance for Inborn genetic diseases. Last evaluated: 2019-10-04. Review status: criteria provided, single submitter. Criteria: Ambry Variant Classification Scheme 2023. Collection method: clinical testing. Allele origin: germline.
Comment: The p.P454S variant (also known as c.1360C>T), located in coding exon 7 of the DYNC1H1 gene, results from a C to T substitution at nucleotide position 1360. The proline at codon 454 is replaced by serine, an amino acid with similar properties. This amino acid position is highly conserved in available vertebrate species. In addition, the in silico prediction for this alteration is inconclusive. Since supporting evidence is limited at this time, the clinical significance of this alteration remains unclear.

GeneDx
Classification: Uncertain significance. Last evaluated: 2019-04-18. Review status: criteria provided, single submitter. Criteria: GeneDx Variant Classification Process June 2021. Collection method: clinical testing. Allele origin: germline. Affected: yes.
Comment: Not observed in large population cohorts (Lek et al., 2016); Has not been previously published as pathogenic or benign to our knowledge